The following is an entry in ClinVar:

ClinVar aggregate classification (germline): Pathogenic/Likely pathogenic. Review status: criteria provided, multiple submitters, no conflicts (2 of 4 stars). 2 submissions from 2 submitters: Pathogenic (1); Likely pathogenic (1). Last evaluated 2024-01-06.

Conditions:
Autosomal recessive limb-girdle muscular dystrophy type 2O. Also called: Limb-Girdle Muscular Dystrophy Type 3C; MUSCULAR DYSTROPHY-DYSTROGLYCANOPATHY (LIMB-GIRDLE), TYPE C, 3; MUSCULAR DYSTROPHY-DYSTROGLYCANOPATHY, LIMB-GIRDLE, POMGNT1-RELATED. Identifiers: Orphanet 206564, MedGen C3150417, MONDO:0013161, OMIM 613157.
Muscular dystrophy-dystroglycanopathy (congenital with impaired intellectual development), type B, 3. Also called: MUSCULAR DYSTROPHY, CONGENITAL, POMGNT1-RELATED; Muscular dystrophy-dystroglycanopathy (congenital with intellectual disability), type B3. Identifiers: MedGen C3150412, MONDO:0013155, OMIM 613151.
Muscular dystrophy-dystroglycanopathy (congenital with brain and eye anomalies), type A3. Also called: WALKER-WARBURG SYNDROME OR MUSCLE-EYE-BRAIN DISEASE, POMGNT1-RELATED; Congenital muscular dystrophy-dystroglycanopathy with brain and eye anomalies, type A3; Muscular dystrophy-dystroglycanopathy (congenital with brain and eye anomalies), type A, 3. Identifiers: MedGen C3151519, MONDO:0009667, OMIM 253280.
Retinitis pigmentosa 76 (RP76). Identifiers: MedGen C4310704, MONDO:0014929, OMIM 617123.

Submissions (2):

Fulgent Genetics
Classification: Likely pathogenic for Muscular dystrophy-dystroglycanopathy (congenital with brain and eye anomalies), type A3; Muscular dystrophy-dystroglycanopathy (congenital with impaired intellectual development), type B, 3; Autosomal recessive limb-girdle muscular dystrophy type 2O; Retinitis pigmentosa 76. Last evaluated: 2024-01-06. Review status: criteria provided, single submitter. Criteria: ACMG Guidelines, 2015. Collection method: clinical testing. Allele origin: germline.

Labcorp Genetics (formerly Invitae), Labcorp
Classification: Pathogenic for Autosomal recessive limb-girdle muscular dystrophy type 2O; Muscular dystrophy-dystroglycanopathy (congenital with impaired intellectual development), type B, 3. Last evaluated: 2020-12-10. Review status: criteria provided, single submitter. Criteria: Invitae Variant Classification Sherloc (09022015). Collection method: clinical testing. Allele origin: germline.
Comment: This sequence change creates a premature translational stop signal (p.Glu563*) in the POMGNT1 gene. It is expected to result in an absent or disrupted protein product. Loss-of-function variants in POMGNT1 are known to be pathogenic (PMID: 19299310, 20816175, 21447391, 26908613, 27391550). For these reasons, this variant has been classified as Pathogenic. This variant has not been reported in the literature in individuals with POMGNT1-related conditions. This variant is not present in population databases (ExAC no frequency).

Literature cited by the submitters: PubMed 19299310 (cited by Labcorp Genetics (formerly Invitae), Labcorp); PubMed 20816175 (cited by Labcorp Genetics (formerly Invitae), Labcorp); PubMed 21447391 (cited by Labcorp Genetics (formerly Invitae), Labcorp); PubMed 26908613 (cited by Labcorp Genetics (formerly Invitae), Labcorp); PubMed 27391550 (cited by Labcorp Genetics (formerly Invitae), Labcorp).

NM_017739.4(POMGNT1):c.1686dup (p.Glu563Ter)

Genes: POMGNT1 (protein O-linked mannose N-acetylglucosaminyltransferase 1 (beta 1,2-); minus strand), TSPAN1 (tetraspanin 1; plus strand). Cytogenetic location: 1p34.1.
Variant type: Duplication.
Coding change: c.1686dup on transcript NM_017739.4 (MANE Select); coding-DNA position 1686, one base duplicated (T; older notation c.1686dupT).
Protein change: p.Glu563Ter; replaces glutamic acid 563 with a stop codon.
Molecular consequence: nonsense. On other transcripts: frameshift variant (1).
Genome position (GRCh38, 1-based): chr1:46,189,953, A duplicated on the plus strand (T on the coding strand, the reverse complement: POMGNT1 is on the minus strand). VCF-style (leftmost placement, unchanged base first): chr1-46189952-C-CA. GRCh37 (hg19) VCF-style: chr1-46655624-C-CA.
Other names: c.1686dup, p.Glu563Ter (NM_001243766.2, NM_001410783.1); c.1620dup, p.Glu541Terfs (NM_001290129.3); c.1257dup, p.Glu420Ter (NM_001290130.2); short protein forms E541*, E563*, E420*.
Identifiers: ClinVar variation 1412185 (VCV001412185.7), dbSNP rs2148167494, ClinGen allele CA2573132364.